The following is an entry in ClinVar:

NM_005033.3(EXOSC9):c.736C>G (p.Gln246Glu)

Gene: EXOSC9 (exosome component 9; plus strand). Cytogenetic location: 4q27.
Variant type: single nucleotide variant.
Coding change: c.736C>G on transcript NM_005033.3 (MANE Select); coding-DNA position 736, C replaced by G.
Protein change: p.Gln246Glu; replaces glutamine 246 with glutamic acid.
Molecular consequence: missense variant.
Genome position (GRCh38, 1-based): chr4:121,810,097, C>G. VCF-style: chr4-121810097-C-G. GRCh37 (hg19) VCF-style: chr4-122731252-C-G.
Other names: c.736C>G, p.Gln246Glu (NM_001034194.2); short protein forms Q246E.
Identifiers: ClinVar variation 3384430 (VCV003384430.1).
Genomic context (GRCh38, chr4:121,810,097, plus strand): 5'-AACAAACATCGAGAGATTTGTACTATCCAGTCCAGTGGTGGGATAATGCTACTAAAAGAT[C>G]AAGTTAGTGCTTTGATTAATGTCCCATTAATAATAGGTTGCTTCTCTTTAGATGCTTTTT-3'
Protein context (NP_005024.2, residues 236-256): SSGGIMLLKD[Gln246Glu]VLRCSKIAGV

ClinVar aggregate classification (germline): Uncertain significance (1 of 4 stars; one submission).

gnomAD v4.1: 11 of 1,612,022 alleles (0.00068%); highest among the groups gnomAD compares: East Asian, 0.018%; no homozygotes.

Submission:

GeneDx
Classification: Uncertain significance. Last evaluated: 2024-05-29. Review status: criteria provided, single submitter. Criteria: GeneDx Variant Classification Process June 2021. Collection method: clinical testing. Allele origin: germline. Affected: yes.
Comment: Not observed at significant frequency in large population cohorts (gnomAD); In silico analysis indicates that this missense variant does not alter protein structure/function; In silico analysis is inconclusive as to whether the variant alters gene splicing. In the absence of RNA/functional studies, the actual effect of this sequence change is unknown.; Has not been previously published as pathogenic or benign to our knowledge